The following is an entry in ClinVar:

GRCh37/hg19 22q11.21(chr22:20992308-21464764)x3

Genes: AIFM3 (AIF family member 3; plus strand), CRKL (CRK like proto-oncogene, adaptor protein; plus strand), LZTR1 (leucine zipper like post translational regulator 1; plus strand), P2RX6 (purinergic receptor P2X 6; plus strand), PI4KA (phosphatidylinositol 4-kinase alpha; minus strand) and 4 more. Cytogenetic location: 22q11.21.
Variant type: copy number gain.
Change: copy number 3 (three copies instead of two) of chr22:20,992,308-21,464,764 (472.5 kb, GRCh37 coordinates, 1-based), cytogenetic band 22q11.21.
Identifiers: ClinVar variation 636294 (VCV000636294.2).

ClinVar aggregate classification (germline): Uncertain significance (0 of 4 stars; one submission).

Conditions:
22q11.2 central duplication syndrome.

Submission:

Shanghai First Maternity and Infant Hospital, Tongji University
Classification: Uncertain significance for 22q11.2 central duplication syndrome. Last evaluated: 2019-03-02. Review status: no assertion criteria provided. Collection method: clinical testing. Allele origin: paternal. Affected: no. Observed: 1 variant allele.